The following is an entry in ClinVar:

ClinVar aggregate classification (germline): Uncertain significance (1 of 4 stars; one submission).

Allele frequency attached by ClinVar (database versions not stated): gnomAD 0.00001; 1000 Genomes Project 30x 0.00016; 1000 Genomes Project 0.00020.
gnomAD v4.1: 1 of 1,613,584 alleles (0.000062%); highest among the groups gnomAD compares: East Asian, 0.0022%; no homozygotes.

Submission:

GeneDx
Classification: Uncertain significance. Last evaluated: 2026-01-18. Review status: criteria provided, single submitter. Criteria: GeneDx Variant Classification Process June 2021. Collection method: clinical testing. Allele origin: germline.
Comment: Not observed at significant frequency in large population cohorts (gnomAD); In silico analysis supports that this missense variant has a deleterious effect on protein structure/function; Has not been previously published as pathogenic or benign to our knowledge

NM_032271.3(TRAF7):c.1445T>C (p.Val482Ala)

Gene: TRAF7 (TNF receptor associated factor 7; plus strand). Cytogenetic location: 16p13.3.
Variant type: single nucleotide variant.
Coding change: c.1445T>C on transcript NM_032271.3 (MANE Select); coding-DNA position 1445, T replaced by C.
Protein change: p.Val482Ala; replaces valine 482 with alanine.
Molecular consequence: missense variant.
Genome position (GRCh38, 1-based): chr16:2,175,359, T>C. VCF-style: chr16-2175359-T-C. GRCh37 (hg19) VCF-style: chr16-2225360-T-C.
Other names: short protein forms V482A.
Identifiers: ClinVar variation 2662686 (VCV002662686.2), dbSNP rs537605138, ClinGen allele CA276784917.